The following is an entry in ClinVar:

NM_000238.4(KCNH2):c.893del (p.Pro298fs)

Gene: KCNH2 (potassium voltage-gated channel subfamily H member 2; minus strand). Cytogenetic location: 7q36.1.
Variant type: Deletion.
Coding change: c.893del on transcript NM_000238.4 (MANE Select); coding-DNA position 893, one base deleted (C; older notation c.893delC).
Protein change: p.Pro298fs; shifts the reading frame from proline 298.
Molecular consequence: frameshift variant.
Genome position (GRCh38, 1-based): chr7:150,958,082, G deleted on the plus strand (C on the coding strand, the reverse complement: KCNH2 is on the minus strand); the first of 5 consecutive G bases (chr7:150,958,082-150,958,086); deleting any one gives the same sequence. VCF-style (leftmost placement, unchanged base first): chr7-150958081-CG-C. GRCh37 (hg19) VCF-style: chr7-150655169-CG-C.
Other names: c.601delC, p.Pro202Argfs (NM_001406753.1, NM_001406756.1); c.712delC, p.Pro239Argfs (NM_001406755.1); c.589delC, p.Pro198Argfs (NM_001406757.1); c.889delC, p.Pro298Argfs (NM_172056.3); short protein forms P298fs.
Identifiers: ClinVar variation 1076966 (VCV001076966.10), dbSNP rs1563169382, ClinGen allele CA579075271.
Genomic context (GRCh38, chr7:150,958,081, plus strand): 5'-CGTGGGCTGGGGCGGAACGGGTCCCGCGGCGCCCTCACCGGTGCTGGCGTGGCGCGGTGG[CG>C]GGGGCAGCACCCCGGCGCGCATGGCCTCGATGTCGTCGGCCGACGAGGCGCGGCGCACGC-3'

ClinVar aggregate classification (germline): Pathogenic/Likely pathogenic. Review status: criteria provided, multiple submitters, no conflicts (2 of 4 stars). 2 submissions from 2 submitters: Pathogenic (1); Likely pathogenic (1). Last evaluated 2021-11-27.

Conditions:
Familial long QT syndrome (RWS). Also called: Congenital long QT syndrome; Romano-Ward syndrome; VENTRICULAR FIBRILLATION WITH PROLONGED QT INTERVAL. Identifiers: Orphanet 768, MedGen C1141890, MONDO:0019171.
Long QT syndrome (LQTS). Identifiers: MedGen C0023976, MeSH D008133, MONDO:0002442. Disease mechanism: loss of function. Inheritance: Various modes of inheritance.

Submissions (2):

Labcorp Genetics (formerly Invitae), Labcorp
Classification: Pathogenic for Long QT syndrome. Last evaluated: 2021-11-27. Review status: criteria provided, single submitter. Criteria: Invitae Variant Classification Sherloc (09022015). Collection method: clinical testing. Allele origin: germline.
Comment: This sequence change creates a premature translational stop signal (p.Pro298Argfs*62) in the KCNH2 gene. It is expected to result in an absent or disrupted protein product. Loss-of-function variants in KCNH2 are known to be pathogenic (PMID: 10973849, 19862833). This variant is present in population databases (no rsID available, gnomAD 0.3%). This variant has not been reported in the literature in individuals affected with KCNH2-related conditions. ClinVar contains an entry for this variant (Variation ID: 1076966). For these reasons, this variant has been classified as Pathogenic.

Laboratory for Molecular Medicine, Mass General Brigham Personalized Medicine
Classification: Likely pathogenic for Familial long QT syndrome. Last evaluated: 2018-07-25. Review status: criteria provided, single submitter. Criteria: ACMG Guidelines, 2015. Collection method: clinical testing. Allele origin: germline. Inheritance: Autosomal dominant inheritance.
Comment: The p.Pro298fs variant in KCNH2 has not been previously reported in individuals with long QT syndrome, but has been identified in 1/330 European chromosomes by the Genome Aggregation Database (gnomAD). This variant is predicted to cause a frameshift, which alters the protein’s amino acid sequence beginning at position 298 and leads to a premature termination codon 62 amino acids downstream. This alteration is then predicted to lead to a truncated or absent protein. In summary, although additional studies are required to fully establish its clinical significance, the p.Pro298fs variant is likely pathogenic. ACMG/AMP Criteria applied: PVS1.

Literature cited by the submitters: PubMed 10973849 (cited by Labcorp Genetics (formerly Invitae), Labcorp); PubMed 19862833 (cited by Labcorp Genetics (formerly Invitae), Labcorp).